The following is an entry in ClinVar:

NM_001374828.1(ARID1B):c.1088T>C (p.Met363Thr)

Gene: ARID1B (AT-rich interaction domain 1B; plus strand). Cytogenetic location: 6q25.3.
Variant type: single nucleotide variant.
Coding change: c.1088T>C on transcript NM_001374828.1 (MANE Select); coding-DNA position 1088, T replaced by C.
Protein change: p.Met363Thr; replaces methionine 363 with threonine.
Molecular consequence: missense variant.
Genome position (GRCh38, 1-based): chr6:156,778,768, T>C. VCF-style: chr6-156778768-T-C. GRCh37 (hg19) VCF-style: chr6-157099902-T-C.
Other names: c.839T>C, p.Met280Thr (NM_001346813.1, NM_020732.3); c.1088T>C, p.Met363Thr (NM_001371656.1, NM_001374820.1, NM_017519.3); c.665T>C, p.Met222Thr (NM_175863.2); short protein forms M280T, M222T, M363T.
Identifiers: ClinVar variation 2869259 (VCV002869259.3), dbSNP rs2114985252, ClinGen allele CA366383049.

ClinVar aggregate classification (germline): Uncertain significance (1 of 4 stars; one submission).

Allele frequency attached by ClinVar (database versions not stated): gnomAD exomes below 0.00001.
gnomAD v4.1: 1 of 1,498,658 alleles (0.000067%); highest among the groups gnomAD compares: Non-Finnish European, 0.000089%; no homozygotes.

Submission:

Labcorp Genetics (formerly Invitae), Labcorp
Classification: Uncertain significance. Last evaluated: 2025-02-15. Review status: criteria provided, single submitter. Criteria: Invitae Variant Classification Sherloc (09022015). Collection method: clinical testing. Allele origin: germline.
Comment: This sequence change replaces methionine, which is neutral and non-polar, with threonine, which is neutral and polar, at codon 280 of the ARID1B protein (p.Met280Thr). This variant is not present in population databases (gnomAD no frequency). This variant has not been reported in the literature in individuals affected with ARID1B-related conditions. ClinVar contains an entry for this variant (Variation ID: 2869259). Invitae Evidence Modeling of protein sequence and biophysical properties (such as structural, functional, and spatial information, amino acid conservation, physicochemical variation, residue mobility, and thermodynamic stability) indicates that this missense variant is not expected to disrupt ARID1B protein function with a negative predictive value of 95%. In summary, the available evidence is currently insufficient to determine the role of this variant in disease. Therefore, it has been classified as a Variant of Uncertain Significance.